The following is an entry in ClinVar:

NM_001851.6(COL9A1):c.2594C>T (p.Pro865Leu)

Gene: COL9A1 (collagen type IX alpha 1 chain; minus strand). Cytogenetic location: 6q13.
Variant type: single nucleotide variant.
Coding change: c.2594C>T on transcript NM_001851.6 (MANE Select); coding-DNA position 2594, C replaced by T.
Protein change: p.Pro865Leu; replaces proline 865 with leucine.
Molecular consequence: missense variant. On other transcripts: non-coding transcript variant (1).
Genome position (GRCh38, 1-based): chr6:70,217,069, G>A on the plus strand (C>T on the coding strand, the complement: COL9A1 is on the minus strand). VCF-style: chr6-70217069-G-A. GRCh37 (hg19) VCF-style: chr6-70926772-G-A.
Other names: c.1895C>T, p.Pro632Leu (NM_001377289.1); c.1718C>T, p.Pro573Leu (NM_001377290.1); c.1865C>T, p.Pro622Leu (NM_078485.4); short protein forms P573L, P622L, P632L, P865L.
Identifiers: ClinVar variation 1467652 (VCV001467652.8), dbSNP rs2127544141, ClinGen allele CA364668171.

ClinVar aggregate classification (germline): Uncertain significance (1 of 4 stars; one submission).

Submission:

Labcorp Genetics (formerly Invitae), Labcorp
Classification: Uncertain significance. Last evaluated: 2022-02-08. Review status: criteria provided, single submitter. Criteria: Invitae Variant Classification Sherloc (09022015). Collection method: clinical testing. Allele origin: germline.
Comment: This variant is not present in population databases (gnomAD no frequency). This sequence change replaces proline, which is neutral and non-polar, with leucine, which is neutral and non-polar, at codon 865 of the COL9A1 protein (p.Pro865Leu). This variant has not been reported in the literature in individuals affected with COL9A1-related conditions. Advanced modeling of protein sequence and biophysical properties (such as structural, functional, and spatial information, amino acid conservation, physicochemical variation, residue mobility, and thermodynamic stability) performed at Invitae indicates that this missense variant is not expected to disrupt COL9A1 protein function. In summary, the available evidence is currently insufficient to determine the role of this variant in disease. Therefore, it has been classified as a Variant of Uncertain Significance.